The following is an entry in ClinVar:

NM_007294.4(BRCA1):c.725G>T (p.Ser242Ile)

Gene: BRCA1 (BRCA1 DNA repair associated; minus strand). Cytogenetic location: 17q21.31.
Variant type: single nucleotide variant.
Coding change: c.725G>T on transcript NM_007294.4 (MANE Select); coding-DNA position 725, G replaced by T.
Protein change: p.Ser242Ile; replaces serine 242 with isoleucine.
Molecular consequence: missense variant. On other transcripts: 5 prime UTR variant (2), intron variant (13).
Genome position (GRCh38, 1-based): chr17:43,094,806, C>A on the plus strand (G>T on the coding strand, the complement: BRCA1 is on the minus strand). VCF-style: chr17-43094806-C-A. GRCh37 (hg19) VCF-style: chr17-41246823-C-A.
Other names: c.512G>T, p.Ser171Ile (NM_001407571.1, NM_001407853.1, NM_001407894.1 and 12 more transcripts); c.725G>T, p.Ser242Ile (NM_001407581.1, NM_001407582.1, NM_001407583.1 and 53 more transcripts); c.722G>T, p.Ser241Ile (NM_001407587.1, NM_001407590.1, NM_001407591.1 and 38 more transcripts); c.716G>T, p.Ser239Ile (NM_001407646.1, NM_001407647.1, NM_001408408.1); c.602G>T, p.Ser201Ile (NM_001407648.1, NM_001407664.1, NM_001407665.1 and 34 more transcripts); c.599G>T, p.Ser200Ile (NM_001407649.1, NM_001407670.1, NM_001407671.1 and 20 more transcripts); c.647G>T, p.Ser216Ile (NM_001407653.1, NM_001407654.1, NM_001407655.1 and 9 more transcripts); c.644G>T, p.Ser215Ile (NM_001407659.1, NM_001407660.1, NM_001407661.1 and 3 more transcripts); and 20 more; short protein forms S114I, S115I, S130I, S131I, S153I, S154I, S171I, S172I.
Identifiers: ClinVar variation 4800866 (VCV004800866.1).

ClinVar aggregate classification (germline): Uncertain significance (1 of 4 stars; one submission).

Conditions:
Hereditary breast ovarian cancer syndrome. Also called: Hereditary breast and ovarian cancer syndrome (HBOC); Hereditary breast and ovarian cancer; Breast and ovarian cancer; Hereditary breast and/or ovarian cancer syndrome; BRCA1- and BRCA2-Associated Hereditary Breast and Ovarian Cancer; Hereditary breast and ovarian cancer syndrome. Identifiers: Orphanet 145, MedGen C0677776, MeSH D061325, MONDO:0003582. Disease mechanism: loss of function.

gnomAD v4.1: 2 of 1,613,498 alleles (0.00012%); highest among the groups gnomAD compares: Non-Finnish European, 0.00017%; no homozygotes.

Submission:

Labcorp Genetics (formerly Invitae), Labcorp
Classification: Uncertain significance for Hereditary breast ovarian cancer syndrome. Last evaluated: 2025-03-27. Review status: criteria provided, single submitter. Criteria: Invitae Variant Classification Sherloc (09022015). Collection method: clinical testing. Allele origin: germline.
Comment: This sequence change replaces serine, which is neutral and polar, with isoleucine, which is neutral and non-polar, at codon 242 of the BRCA1 protein (p.Ser242Ile). This variant is not present in population databases (gnomAD no frequency). This variant has not been reported in the literature in individuals affected with BRCA1-related conditions. Invitae Evidence Modeling of protein sequence and biophysical properties (such as structural, functional, and spatial information, amino acid conservation, physicochemical variation, residue mobility, and thermodynamic stability) has been performed for this missense variant. However, the output from this modeling did not meet the statistical confidence thresholds required to predict the impact of this variant on BRCA1 protein function. In summary, the available evidence is currently insufficient to determine the role of this variant in disease. Therefore, it has been classified as a Variant of Uncertain Significance.